The following is an entry in ClinVar:

ClinVar aggregate classification (germline): Uncertain significance. Review status: criteria provided, multiple submitters, no conflicts (2 of 4 stars). 3 submissions from 3 submitters: Uncertain significance (3). Last evaluated 2024-11-12.

Conditions:
Familial cancer of breast. Also called: BREAST CANCER, FAMILIAL; Hereditary breast cancer; hereditary breast carcinoma. Identifiers: Orphanet 227535, MedGen C0346153, MONDO:0016419, OMIM 114480. Disease mechanism: loss of function.
Hereditary cancer-predisposing syndrome. Also called: Neoplastic Syndromes, Hereditary; Tumor predisposition; Hereditary Cancer Syndrome; Hereditary neoplastic syndrome. Identifiers: Orphanet 140162, MedGen C0027672, MeSH D009386, MONDO:0015356.

gnomAD v4.1: 5 of 1,614,164 alleles (0.00031%); highest among the groups gnomAD compares: South Asian, 0.0055%; no homozygotes.

Submissions (3):

Ambry Genetics
Classification: Uncertain significance for Hereditary cancer-predisposing syndrome. Last evaluated: 2024-11-12. Review status: criteria provided, single submitter. Criteria: Ambry Variant Classification Scheme 2023. Collection method: clinical testing. Allele origin: germline.
Comment: The p.P759A variant (also known as c.2275C>G), located in coding exon 11 of the BARD1 gene, results from a C to G substitution at nucleotide position 2275. The proline at codon 759 is replaced by alanine, an amino acid with highly similar properties. This amino acid position is well conserved in available vertebrate species. In addition, this alteration is predicted to be tolerated by in silico analysis. Since supporting evidence is limited at this time, the clinical significance of this alteration remains unclear.

Labcorp Genetics (formerly Invitae), Labcorp
Classification: Uncertain significance for Familial cancer of breast. Last evaluated: 2024-07-03. Review status: criteria provided, single submitter. Criteria: Invitae Variant Classification Sherloc (09022015). Collection method: clinical testing. Allele origin: germline.
Comment: This sequence change replaces proline, which is neutral and non-polar, with alanine, which is neutral and non-polar, at codon 759 of the BARD1 protein (p.Pro759Ala). This variant is present in population databases (no rsID available, gnomAD 0.006%). This variant has not been reported in the literature in individuals affected with BARD1-related conditions. ClinVar contains an entry for this variant (Variation ID: 485326). An algorithm developed to predict the effect of missense changes on protein structure and function (PolyPhen-2) suggests that this variant is likely to be disruptive. In summary, the available evidence is currently insufficient to determine the role of this variant in disease. Therefore, it has been classified as a Variant of Uncertain Significance.

Color Diagnostics, LLC DBA Color Health
Classification: Uncertain significance for Hereditary cancer-predisposing syndrome. Last evaluated: 2023-12-04. Review status: criteria provided, single submitter. Criteria: ACMG Guidelines, 2015. Collection method: clinical testing. Allele origin: germline.
Comment: This missense variant replaces proline with alanine at codon 759 of the BARD1 protein. Computational prediction suggests that this variant may not impact protein structure and function (internally defined REVEL score threshold <= 0.5, PMID: 27666373). To our knowledge, functional studies have not been reported for this variant. This variant has not been reported in individuals affected with BARD1-related disorders in the literature. This variant has been identified in 2/251256 chromosomes in the general population by the Genome Aggregation Database (gnomAD). The available evidence is insufficient to determine the role of this variant in disease conclusively. Therefore, this variant is classified as a Variant of Uncertain Significance.

NM_000465.4(BARD1):c.2275C>G (p.Pro759Ala)

Gene: BARD1 (BRCA1 associated RING domain 1; minus strand). Cytogenetic location: 2q35.
Variant type: single nucleotide variant.
Coding change: c.2275C>G on transcript NM_000465.4 (MANE Select); coding-DNA position 2275, C replaced by G.
Protein change: p.Pro759Ala; replaces proline 759 with alanine.
Molecular consequence: missense variant. On other transcripts: non-coding transcript variant (3).
Genome position (GRCh38, 1-based): chr2:214,728,735, G>C on the plus strand (C>G on the coding strand, the complement: BARD1 is on the minus strand). VCF-style: chr2-214728735-G-C. GRCh37 (hg19) VCF-style: chr2-215593459-G-C.
Other names: c.2218C>G, p.Pro740Ala (NM_001282543.2); c.922C>G, p.Pro308Ala (NM_001282545.2); c.865C>G, p.Pro289Ala (NM_001282548.2); c.736C>G, p.Pro246Ala (NM_001282549.2); short protein forms P759A, P308A, P740A, P289A, P246A.
Identifiers: ClinVar variation 485326 (VCV000485326.18), dbSNP rs1318628468, ClinGen allele CA350449938.
Genomic context (GRCh38, chr2:214,728,735, plus strand): 5'-TTCAGCTGTCAAGAGGAAGCAACTCAAAGGACATCACACAGTCTATAAACCAGCTCGAAG[G>C]AGCCTTCCAGACTTTGCCCTGCCGAACCCTCTCTGGGTGATAATTACACAAATCTTCATA-3'
Protein context (NP_000456.2, residues 749-769): RVRQGKVWKA[Pro759Ala]SSWFIDCVMS